The following is an entry in ClinVar:

NM_020919.4(ALS2):c.880_881del (p.Leu294fs)

Gene: ALS2 (alsin Rho guanine nucleotide exchange factor ALS2; minus strand). Cytogenetic location: 2q33.1.
Variant type: Microsatellite.
Coding change: c.880_881del on transcript NM_020919.4 (MANE Select); coding-DNA positions 880 to 881, 2 bases deleted (CT; older notation c.880_881delCT).
Protein change: p.Leu294fs; shifts the reading frame from leucine 294.
Molecular consequence: frameshift variant.
Genome position (GRCh38, 1-based): chr2:201,761,113-201,761,114, AG deleted on the plus strand (CT on the coding strand, the reverse complement: ALS2 is on the minus strand); deleting any 2 consecutive bases within chr2:201,761,113-201,761,116 gives the same sequence; the c. name uses the placement nearest the transcript's 3' end. VCF-style (leftmost placement, unchanged base first): chr2-201761112-AAG-A. GRCh37 (hg19) VCF-style: chr2-202625835-AAG-A.
Other names: p.Leu294Cysfs*4; c.880_881del, p.Leu294fs (NM_001135745.2, NM_001410975.1); short protein forms L294fs.
Identifiers: ClinVar variation 3342715 (VCV003342715.2).

ClinVar aggregate classification (germline): Pathogenic. Review status: criteria provided, multiple submitters, no conflicts (2 of 4 stars). 2 submissions from 2 submitters: Pathogenic (2). Last evaluated 2024-01-22.

Submissions (2):

GeneDx
Classification: Pathogenic. Last evaluated: 2024-01-22. Review status: criteria provided, single submitter. Criteria: GeneDx Variant Classification Process June 2021. Collection method: clinical testing. Allele origin: germline. Affected: yes.
Comment: Frameshift variant predicted to result in protein truncation or nonsense mediated decay in a gene for which loss of function is a known mechanism of disease; Not observed at significant frequency in large population cohorts (gnomAD); This variant is associated with the following publications: (PMID: 31069529)

Mayo Clinic Laboratories, Mayo Clinic
Classification: Pathogenic. Last evaluated: 2023-10-11. Review status: criteria provided, single submitter. Criteria: ACMG Guidelines, 2015. Collection method: clinical testing. Allele origin: germline. Observed: 1 variant allele.
Comment: PM2_moderate, PM3_supporting, PVS1

Literature cited by the submitters: PubMed 31069529 (cited by Mayo Clinic Laboratories, Mayo Clinic).